The following is an entry in ClinVar:

NM_031220.4(PITPNM3):c.2866C>T (p.Arg956Trp)

Gene: PITPNM3 (PITPNM family member 3; minus strand). Cytogenetic location: 17p13.2.
Variant type: single nucleotide variant.
Coding change: c.2866C>T on transcript NM_031220.4 (MANE Select); coding-DNA position 2866, C replaced by T.
Protein change: p.Arg956Trp; replaces arginine 956 with tryptophan.
Molecular consequence: missense variant.
Genome position (GRCh38, 1-based): chr17:6,455,397, G>A on the plus strand (C>T on the coding strand, the complement: PITPNM3 is on the minus strand). VCF-style: chr17-6455397-G-A. GRCh37 (hg19) VCF-style: chr17-6358717-G-A.
Other names: c.2758C>T, p.Arg920Trp (NM_001165966.2); short protein forms R920W, R956W.
Identifiers: ClinVar variation 1373678 (VCV001373678.6), dbSNP rs1428103113, ClinGen allele CA397399614.

ClinVar aggregate classification (germline): Uncertain significance (1 of 4 stars; one submission).

Allele frequency attached by ClinVar (database versions not stated): TOPMed below 0.00001; gnomAD 0.00001.

Submission:

Labcorp Genetics (formerly Invitae), Labcorp
Classification: Uncertain significance. Last evaluated: 2022-03-19. Review status: criteria provided, single submitter. Criteria: Invitae Variant Classification Sherloc (09022015). Collection method: clinical testing. Allele origin: germline.
Comment: This sequence change replaces arginine, which is basic and polar, with tryptophan, which is neutral and slightly polar, at codon 956 of the PITPNM3 protein (p.Arg956Trp). In summary, the available evidence is currently insufficient to determine the role of this variant in disease. Therefore, it has been classified as a Variant of Uncertain Significance. Algorithms developed to predict the effect of missense changes on protein structure and function are either unavailable or do not agree on the potential impact of this missense change (SIFT: "Deleterious"; PolyPhen-2: "Probably Damaging"; Align-GVGD: "Class C0"). This variant has not been reported in the literature in individuals affected with PITPNM3-related conditions. This variant is not present in population databases (gnomAD no frequency).